The following is an entry in ClinVar:

ClinVar aggregate classification (germline): Benign/Likely benign. Review status: criteria provided, multiple submitters, no conflicts (2 of 4 stars). 3 submissions from 3 submitters: Benign (1); Likely benign (2). Last evaluated 2026-01-28.

Conditions:
Amelocerebrohypohidrotic syndrome (KTZS). Also called: EPILEPSY AND YELLOW TEETH; EPILEPSY, DEMENTIA, AND AMELOGENESIS IMPERFECTA; KOHLSCHUTTER SYNDROME; Kohlschutter's syndrome. Identifiers: Orphanet 1946, MedGen C0406740, MONDO:0009185, OMIM 226750.

Allele frequency attached by ClinVar (database versions not stated): gnomAD exomes 0.00129; gnomAD 0.00368 and 0.00397; 1000 Genomes Project 0.00419; TOPMed 0.00428; 1000 Genomes Project 30x 0.00468.
gnomAD v4.1: 884 of 1,209,990 alleles (0.073%); highest among the groups gnomAD compares: African/African-American, 1.3%; 7 homozygotes.

Submissions (3):

Labcorp Genetics (formerly Invitae), Labcorp
Classification: Benign for Amelocerebrohypohidrotic syndrome. Last evaluated: 2026-01-28. Review status: criteria provided, single submitter. Criteria: Invitae Variant Classification Sherloc (09022015). Collection method: clinical testing. Allele origin: germline.

CeGaT Center for Human Genetics Tuebingen
Classification: Likely benign. Last evaluated: 2025-11-01. Review status: criteria provided, single submitter. Criteria: CeGaT Center For Human Genetics Tuebingen Variant Classification Criteria Version 2. Collection method: clinical testing. Allele origin: germline. Affected: yes. Observed: 2 variant alleles.
Comment: ROGDI: BS1

Blueprint Genetics
Classification: Likely benign. Last evaluated: 2024-08-28. Review status: criteria provided, single submitter. Criteria: ACMG Guidelines, 2015. Collection method: clinical testing. Allele origin: germline.

NM_024589.3(ROGDI):c.45+19C>G

Gene: ROGDI (rogdi atypical leucine zipper; minus strand). Cytogenetic location: 16p13.3.
Variant type: single nucleotide variant.
Coding change: c.45+19C>G on transcript NM_024589.3 (MANE Select); 19 bases into the intron after coding-DNA position 45, C replaced by G.
Molecular consequence: intron variant.
Genome position (GRCh38, 1-based): chr16:4,802,508, G>C on the plus strand (C>G on the coding strand, the complement: ROGDI is on the minus strand). VCF-style: chr16-4802508-G-C. GRCh37 (hg19) VCF-style: chr16-4852509-G-C.
Identifiers: ClinVar variation 1599034 (VCV001599034.33), dbSNP rs546936996, ClinGen allele CA7883044.